The following is an entry in ClinVar:

ClinVar aggregate classification (germline): Uncertain significance. Review status: criteria provided, multiple submitters, no conflicts (2 of 4 stars). 5 submissions from 3 submitters: Uncertain significance (4). 1 of the submissions does not count toward it. Last evaluated 2022-08-13.

Conditions:
Nephronophthisis 11 (NPHP11). Identifiers: Orphanet 84081, MedGen C3150796, MONDO:0013302, OMIM 613550.
Joubert syndrome 6 (JBTS6). Identifiers: Orphanet 475, MedGen C1853153, MONDO:0012539, OMIM 610688.
Meckel syndrome, type 3 (MKS3). Also called: MECKEL-GRUBER SYNDROME, TYPE 3. Identifiers: Orphanet 564, MedGen C1846357, MONDO:0011821, OMIM 607361.
Joubert syndrome. Also called: Familial aplasia of the vermis; JOUBERT-BOLTSHAUSER SYNDROME. Identifiers: Orphanet 475, MedGen C5979921, MONDO:0018772.
Meckel-Gruber syndrome. Also called: Dysencephalia splachnocystica; DYSENCEPHALIA SPLANCHNOCYSTICA; GRUBER SYNDROME. Identifiers: Orphanet 564, MedGen C0265215, MONDO:0018921.
TMEM67-related disorder. Also called: TMEM67-related condition; TMEM67-related disorders. Identifiers: MedGen CN239423.

Allele frequency attached by ClinVar (database versions not stated): TOPMed 0.00006; 1000 Genomes Project 30x 0.00016.
gnomAD v4.1: 19 of 1,614,170 alleles (0.0012%); highest among the groups gnomAD compares: African/African-American, 0.019%; no homozygotes.

Submissions (5):

Labcorp Genetics (formerly Invitae), Labcorp
Classification: Uncertain significance for Joubert syndrome; Meckel-Gruber syndrome. Last evaluated: 2022-08-13. Review status: criteria provided, single submitter. Criteria: Invitae Variant Classification Sherloc (09022015). Collection method: clinical testing. Allele origin: germline.
Comment: This sequence change replaces proline, which is neutral and non-polar, with leucine, which is neutral and non-polar, at codon 46 of the TMEM67 protein (p.Pro46Leu). This variant is present in population databases (rs199708882, gnomAD 0.02%). This variant has not been reported in the literature in individuals affected with TMEM67-related conditions. ClinVar contains an entry for this variant (Variation ID: 363919). Advanced modeling of protein sequence and biophysical properties (such as structural, functional, and spatial information, amino acid conservation, physicochemical variation, residue mobility, and thermodynamic stability) performed at Invitae indicates that this missense variant is expected to disrupt TMEM67 protein function. In summary, the available evidence is currently insufficient to determine the role of this variant in disease. Therefore, it has been classified as a Variant of Uncertain Significance.

Illumina Laboratory Services, Illumina
Classification: Uncertain significance for Meckel syndrome, type 3. Last evaluated: 2018-01-12. Review status: criteria provided, single submitter. Criteria: ICSL Variant Classification Criteria 13 December 2019. Collection method: clinical testing. Allele origin: germline.

Illumina Laboratory Services, Illumina
Classification: Uncertain significance for Joubert syndrome 6. Last evaluated: 2018-01-12. Review status: criteria provided, single submitter. Criteria: ICSL Variant Classification Criteria 13 December 2019. Collection method: clinical testing. Allele origin: germline.

Illumina Laboratory Services, Illumina
Classification: Uncertain significance for Nephronophthisis 11. Last evaluated: 2018-01-12. Review status: criteria provided, single submitter. Criteria: ICSL Variant Classification Criteria 13 December 2019. Collection method: clinical testing. Allele origin: germline.

PreventionGenetics, part of Exact Sciences
Classification: Uncertain significance for TMEM67-related condition. Last evaluated: 2024-09-25. Review status: no assertion criteria provided. Collection method: clinical testing. Allele origin: germline. Not counted in ClinVar's aggregate classification.
Comment: The TMEM67 c.137C>T variant is predicted to result in the amino acid substitution p.Pro46Leu. To our knowledge, this variant has not been reported in the literature. This variant is reported in 0.012% of alleles in individuals of African descent in gnomAD. At this time, the clinical significance of this variant is uncertain due to the absence of conclusive functional and genetic evidence.

NM_153704.6(TMEM67):c.137C>T (p.Pro46Leu)

Gene: TMEM67 (transmembrane protein 67; plus strand). Cytogenetic location: 8q22.1.
Variant type: single nucleotide variant.
Coding change: c.137C>T on transcript NM_153704.6 (MANE Select); coding-DNA position 137, C replaced by T.
Protein change: p.Pro46Leu; replaces proline 46 with leucine.
Molecular consequence: missense variant. On other transcripts: 5 prime UTR variant (1), non-coding transcript variant (1).
Genome position (GRCh38, 1-based): chr8:93,755,051, C>T. VCF-style: chr8-93755051-C-T. GRCh37 (hg19) VCF-style: chr8-94767279-C-T.
Other names: c.-148C>T (NM_001142301.1); short protein forms P46L.
Identifiers: ClinVar variation 363919 (VCV000363919.8), dbSNP rs199708882, ClinGen allele CA4807521.
Genomic context (GRCh38, chr8:93,755,051, plus strand): 5'-TTCTGTTGTTCCTCCCTCGCTTCTTACAGGCCCAGACCTTCTCTTTCCCTTTCCAGCAGC[C>T]GGAGAAGTGCGACAACAACCAGTACTTTGATATCTCCGCCCTCTCGTGTGTTCCTTGTGG-3'
Protein context (NP_714915.3, residues 36-56): AQTFSFPFQQ[Pro46Leu]EKCDNNQYFD